The following is an entry in ClinVar:

NM_006361.6(HOXB13):c.506A>G (p.Tyr169Cys)

Gene: HOXB13 (homeobox B13; minus strand). Cytogenetic location: 17q21.32.
Variant type: single nucleotide variant.
Coding change: c.506A>G on transcript NM_006361.6 (MANE Select); coding-DNA position 506, A replaced by G.
Protein change: p.Tyr169Cys; replaces tyrosine 169 with cysteine.
Molecular consequence: missense variant.
Genome position (GRCh38, 1-based): chr17:48,728,088, T>C on the plus strand (A>G on the coding strand, the complement: HOXB13 is on the minus strand). VCF-style: chr17-48728088-T-C. GRCh37 (hg19) VCF-style: chr17-46805450-T-C.
Other names: short protein forms Y169C.
Identifiers: ClinVar variation 3682619 (VCV003682619.2).
Genomic context (GRCh38, chr17:48,728,088, plus strand): 5'-TTCTGTTCTCCCTGGCAACACATCTGGCTGTTCCAGCCACCAGCGAGAGCCCAAGACTGG[T>C]AACTGTCCACAGGCAACAGGGAGTCATGTCGCGGTTCTCCAGGAGCACCCAGAGTCTGCA-3'
Protein context (NP_006352.2, residues 159-179): RHDSLLPVDS[Tyr169Cys]QSWALAGGWN

ClinVar aggregate classification (germline): Uncertain significance (1 of 4 stars; one submission).

Submission:

Labcorp Genetics (formerly Invitae), Labcorp
Classification: Uncertain significance. Last evaluated: 2024-04-04. Review status: criteria provided, single submitter. Criteria: Invitae Variant Classification Sherloc (09022015). Collection method: clinical testing. Allele origin: germline.
Comment: This sequence change replaces tyrosine, which is neutral and polar, with cysteine, which is neutral and slightly polar, at codon 169 of the HOXB13 protein (p.Tyr169Cys). This variant is not present in population databases (gnomAD no frequency). This variant has not been reported in the literature in individuals affected with HOXB13-related conditions. Advanced modeling of protein sequence and biophysical properties (such as structural, functional, and spatial information, amino acid conservation, physicochemical variation, residue mobility, and thermodynamic stability) performed at Invitae indicates that this missense variant is not expected to disrupt HOXB13 protein function with a negative predictive value of 80%. In summary, the available evidence is currently insufficient to determine the role of this variant in disease. Therefore, it has been classified as a Variant of Uncertain Significance.